The following is an entry in ClinVar:

ClinVar aggregate classification (germline): Uncertain significance (1 of 4 stars; one submission).

Conditions:
Hereditary cancer-predisposing syndrome. Also called: Neoplastic Syndromes, Hereditary; Tumor predisposition; Hereditary neoplastic syndrome; Hereditary Cancer Syndrome. Identifiers: Orphanet 140162, MedGen C0027672, MeSH D009386, MONDO:0015356.

Submission:

Ambry Genetics
Classification: Uncertain significance for Hereditary cancer-predisposing syndrome. Last evaluated: 2022-12-13. Review status: criteria provided, single submitter. Criteria: Ambry Variant Classification Scheme 2023. Collection method: clinical testing. Allele origin: germline.
Comment: The p.Y1445C variant (also known as c.4334A>G), located in coding exon 22 of the DICER1 gene, results from an A to G substitution at nucleotide position 4334. The tyrosine at codon 1445 is replaced by cysteine, an amino acid with highly dissimilar properties. This amino acid position is conserved. In addition, this alteration is predicted to be deleterious by in silico analysis. Since supporting evidence is limited at this time, the clinical significance of this alteration remains unclear.

NM_177438.3(DICER1):c.4334A>G (p.Tyr1445Cys)

Gene: DICER1 (dicer 1, ribonuclease III; minus strand). Cytogenetic location: 14q32.13.
Variant type: single nucleotide variant.
Coding change: c.4334A>G on transcript NM_177438.3 (MANE Select); coding-DNA position 4334, A replaced by G.
Protein change: p.Tyr1445Cys; replaces tyrosine 1445 with cysteine.
Molecular consequence: missense variant. On other transcripts: non-coding transcript variant (6).
Genome position (GRCh38, 1-based): chr14:95,096,586, T>C on the plus strand (A>G on the coding strand, the complement: DICER1 is on the minus strand). VCF-style: chr14-95096586-T-C. GRCh37 (hg19) VCF-style: chr14-95562923-T-C.
Other names: c.4334A>G, p.Tyr1445Cys (NM_001195573.1, NM_001271282.3, NM_001291628.2 and 13 more transcripts); c.4052A>G, p.Tyr1351Cys (NM_001395686.1); c.3929A>G, p.Tyr1310Cys (NM_001395687.1, NM_001395688.1, NM_001395689.1 and 2 more transcripts); c.3767A>G, p.Tyr1256Cys (NM_001395691.1); c.2651A>G, p.Tyr884Cys (NM_001395697.1); short protein forms Y884C, Y1256C, Y1310C, Y1445C, Y1351C.
Identifiers: ClinVar variation 2451695 (VCV002451695.2), dbSNP rs2542509023, ClinGen allele CA390869285.